The following is an entry in ClinVar:

NM_022725.4(FANCF):c.712G>C (p.Val238Leu)

Gene: FANCF (FA complementation group F; minus strand). Cytogenetic location: 11p14.3.
Variant type: single nucleotide variant.
Coding change: c.712G>C on transcript NM_022725.4 (MANE Select); coding-DNA position 712, G replaced by C.
Protein change: p.Val238Leu; replaces valine 238 with leucine.
Molecular consequence: missense variant.
Genome position (GRCh38, 1-based): chr11:22,625,099, C>G on the plus strand (G>C on the coding strand, the complement: FANCF is on the minus strand). VCF-style: chr11-22625099-C-G. GRCh37 (hg19) VCF-style: chr11-22646645-C-G.
Other names: short protein forms V238L.
Identifiers: ClinVar variation 3609933 (VCV003609933.2).
Genomic context (GRCh38, chr11:22,625,099, plus strand): 5'-CGGCTGGGAGGGCGCGACAAAAGGCAGCAAAGACTTCCGAATTCCCCAGAAGCCAGTGGA[C>G]TAGCACTTGGCTCCCCTCTCCAGGTGATTTGTGGATGCCGGGTTCCAACTCTTCTTGGGG-3'
Protein context (NP_073562.1, residues 228-248): KSPGEGSQVL[Val238Leu]HWLLGNSEVF

ClinVar aggregate classification (germline): Uncertain significance (1 of 4 stars; one submission).

Conditions:
Fanconi anemia (FA). Also called: Fanconi's anemia. Identifiers: Orphanet 84, MedGen C0015625, MeSH D005199, MONDO:0019391.

Submission:

Labcorp Genetics (formerly Invitae), Labcorp
Classification: Uncertain significance for Fanconi anemia. Last evaluated: 2024-03-07. Review status: criteria provided, single submitter. Criteria: Invitae Variant Classification Sherloc (09022015). Collection method: clinical testing. Allele origin: germline.
Comment: This sequence change replaces valine, which is neutral and non-polar, with leucine, which is neutral and non-polar, at codon 238 of the FANCF protein (p.Val238Leu). This variant is not present in population databases (gnomAD no frequency). This variant has not been reported in the literature in individuals affected with FANCF-related conditions. Advanced modeling of protein sequence and biophysical properties (such as structural, functional, and spatial information, amino acid conservation, physicochemical variation, residue mobility, and thermodynamic stability) performed at Invitae indicates that this missense variant is not expected to disrupt FANCF protein function with a negative predictive value of 80%. In summary, the available evidence is currently insufficient to determine the role of this variant in disease. Therefore, it has been classified as a Variant of Uncertain Significance.